The following is an entry in ClinVar:

NM_144670.6(A2ML1):c.3427A>G (p.Ile1143Val)

Gene: A2ML1 (alpha-2-macroglobulin like 1; plus strand). Cytogenetic location: 12p13.31.
Variant type: single nucleotide variant.
Coding change: c.3427A>G on transcript NM_144670.6 (MANE Select); coding-DNA position 3427, A replaced by G.
Protein change: p.Ile1143Val; replaces isoleucine 1143 with valine.
Molecular consequence: missense variant.
Genome position (GRCh38, 1-based): chr12:8,861,222, A>G. VCF-style: chr12-8861222-A-G. GRCh37 (hg19) VCF-style: chr12-9013818-A-G.
Other names: c.1954A>G, p.Ile652Val (NM_001282424.3); c.3427A>G (NM_144670.3); short protein forms I652V, I1143V.
Identifiers: ClinVar variation 1426115 (VCV001426115.9), dbSNP rs1469715388, ClinGen allele CA6436380.

ClinVar aggregate classification (germline): Uncertain significance. Review status: criteria provided, multiple submitters, no conflicts (2 of 4 stars). 2 submissions from 2 submitters: Uncertain significance (2). Last evaluated 2025-02-08.

Allele frequency attached by ClinVar (database versions not stated): gnomAD exomes below 0.00001 and 0.00003; gnomAD 0.00001; ExAC 0.00003; TOPMed 0.00003.
gnomAD v4.1: 9 of 1,613,950 alleles (0.00056%); highest among the groups gnomAD compares: Admixed American, 0.015%; no homozygotes.

Submissions (2):

Ambry Genetics
Classification: Uncertain significance. Last evaluated: 2025-02-08. Review status: criteria provided, single submitter. Criteria: Ambry Variant Classification Scheme 2023. Collection method: clinical testing. Allele origin: germline.

Labcorp Genetics (formerly Invitae), Labcorp
Classification: Uncertain significance. Last evaluated: 2024-09-29. Review status: criteria provided, single submitter. Criteria: Invitae Variant Classification Sherloc (09022015). Collection method: clinical testing. Allele origin: germline.
Comment: This sequence change replaces isoleucine, which is neutral and non-polar, with valine, which is neutral and non-polar, at codon 1143 of the A2ML1 protein (p.Ile1143Val). This variant is present in population databases (no rsID available, gnomAD 0.03%). This variant has not been reported in the literature in individuals affected with A2ML1-related conditions. ClinVar contains an entry for this variant (Variation ID: 1426115). An algorithm developed to predict the effect of missense changes on protein structure and function outputs the following: PolyPhen-2: "Benign". The valine amino acid residue is found in multiple mammalian species, which suggests that this missense change does not adversely affect protein function. In summary, the available evidence is currently insufficient to determine the role of this variant in disease. Therefore, it has been classified as a Variant of Uncertain Significance.